The following is an entry in ClinVar:

ClinVar aggregate classification (germline): Uncertain significance. Review status: criteria provided, multiple submitters, no conflicts (2 of 4 stars). 2 submissions from 2 submitters: Uncertain significance (2). Last evaluated 2024-04-09.

Conditions:
Deficiency of alpha-mannosidase (MANSA). Also called: LYSOSOMAL ALPHA-D-MANNOSIDASE DEFICIENCY; Mannosidosis, alpha-, types I and II; Alpha-Mannosidosis. Identifiers: Orphanet 61, MedGen C0024748, MONDO:0009561, OMIM 248500.

Allele frequency attached by ClinVar (database versions not stated): gnomAD exomes 0.00003.
gnomAD v4.1: 48 of 1,614,198 alleles (0.003%); highest among the groups gnomAD compares: East Asian, 0.11%; no homozygotes.

Submissions (2):

Women's Health and Genetics/Laboratory Corporation of America, LabCorp
Classification: Uncertain significance. Last evaluated: 2024-04-09. Review status: criteria provided, single submitter. Criteria: LabCorp Variant Classification Summary - May 2015. Collection method: clinical testing. Allele origin: germline.
Comment: Variant summary: MAN2B1 c.894T>G (p.Asn298Lys) results in a non-conservative amino acid change located in the Glycoside hydrolase family 38, N-terminal domain (IPR000602) of the encoded protein sequence. Four of five in-silico tools predict a benign effect of the variant on protein function. The variant allele was found at a frequency of 4e-06 in 251474 control chromosomes. The available data on variant occurrences in the general population are insufficient to allow any conclusion about variant significance. To our knowledge, no occurrence of c.894T>G in individuals affected with Alpha-Mannosidosis and no experimental evidence demonstrating its impact on protein function have been reported. ClinVar contains an entry for this variant (Variation ID: 2201142). Based on the evidence outlined above, the variant was classified as uncertain significance.

Labcorp Genetics (formerly Invitae), Labcorp
Classification: Uncertain significance for Deficiency of alpha-mannosidase. Last evaluated: 2021-08-28. Review status: criteria provided, single submitter. Criteria: Invitae Variant Classification Sherloc (09022015). Collection method: clinical testing. Allele origin: germline.
Comment: This sequence change replaces asparagine with lysine at codon 298 of the MAN2B1 protein (p.Asn298Lys). The asparagine residue is weakly conserved and there is a moderate physicochemical difference between asparagine and lysine. This variant is not present in population databases (ExAC no frequency). This variant has not been reported in the literature in individuals affected with MAN2B1-related conditions. Algorithms developed to predict the effect of missense changes on protein structure and function output the following: SIFT: "Tolerated"; PolyPhen-2: "Benign"; Align-GVGD: "Class C0". The lysine amino acid residue is found in multiple mammalian species, which suggests that this missense change does not adversely affect protein function. Algorithms developed to predict the effect of sequence changes on RNA splicing suggest that this variant may create or strengthen a splice site. In summary, the available evidence is currently insufficient to determine the role of this variant in disease. Therefore, it has been classified as a Variant of Uncertain Significance.

NM_000528.4(MAN2B1):c.894T>G (p.Asn298Lys)

Gene: MAN2B1 (mannosidase alpha class 2B member 1; minus strand). Cytogenetic location: 19p13.13.
Variant type: single nucleotide variant.
Coding change: c.894T>G on transcript NM_000528.4 (MANE Select); coding-DNA position 894, T replaced by G.
Protein change: p.Asn298Lys; replaces asparagine 298 with lysine.
Molecular consequence: missense variant.
Genome position (GRCh38, 1-based): chr19:12,663,332, A>C on the plus strand (T>G on the coding strand, the complement: MAN2B1 is on the minus strand). VCF-style: chr19-12663332-A-C. GRCh37 (hg19) VCF-style: chr19-12774146-A-C.
Other names: c.894T>G, p.Asn298Lys (NM_001173498.2); short protein forms N298K.
Identifiers: ClinVar variation 2201142 (VCV002201142.2), dbSNP rs1177229578, ClinGen allele CA404251895.